The following is an entry in ClinVar:

ClinVar aggregate classification (germline): Uncertain significance (1 of 4 stars; one submission).

Submission:

Labcorp Genetics (formerly Invitae), Labcorp
Classification: Uncertain significance. Last evaluated: 2025-12-22. Review status: criteria provided, single submitter. Criteria: Invitae Variant Classification Sherloc (09022015). Collection method: clinical testing. Allele origin: germline.
Comment: This sequence change replaces alanine, which is neutral and non-polar, with threonine, which is neutral and polar, at codon 690 of the TPRN protein (p.Ala690Thr). This variant is not present in population databases (gnomAD no frequency). This variant has not been reported in the literature in individuals affected with TPRN-related conditions. Invitae Evidence Modeling of protein sequence and biophysical properties (such as structural, functional, and spatial information, amino acid conservation, physicochemical variation, residue mobility, and thermodynamic stability) indicates that this missense variant is not expected to disrupt TPRN protein function with a negative predictive value of 80%. In summary, the available evidence is currently insufficient to determine the role of this variant in disease. Therefore, it has been classified as a Variant of Uncertain Significance.

NM_001128228.3(TPRN):c.2068G>A (p.Ala690Thr)

Gene: TPRN (taperin; minus strand). Cytogenetic location: 9q34.3.
Variant type: single nucleotide variant.
Coding change: c.2068G>A on transcript NM_001128228.3 (MANE Select); coding-DNA position 2068, G replaced by A.
Protein change: p.Ala690Thr; replaces alanine 690 with threonine.
Molecular consequence: missense variant.
Genome position (GRCh38, 1-based): chr9:137,192,264, C>T on the plus strand (G>A on the coding strand, the complement: TPRN is on the minus strand). VCF-style: chr9-137192264-C-T. GRCh37 (hg19) VCF-style: chr9-140086716-C-T.
Other names: short protein forms A690T.
Identifiers: ClinVar variation 4760622 (VCV004760622.1).